The following is an entry in ClinVar:

NM_005458.8(GABBR2):c.701A>G (p.Asn234Ser)

Genes: GABBR2 (gamma-aminobutyric acid type B receptor subunit 2; minus strand), LOC126860700 (CDK7 strongly-dependent group 2 enhancer GRCh37_chr9:101257622-101258821; plus strand). Cytogenetic location: 9q22.33.
Variant type: single nucleotide variant.
Coding change: c.701A>G on transcript NM_005458.8 (MANE Select); coding-DNA position 701, A replaced by G.
Protein change: p.Asn234Ser; replaces asparagine 234 with serine.
Molecular consequence: missense variant.
Genome position (GRCh38, 1-based): chr9:98,496,444, T>C on the plus strand (A>G on the coding strand, the complement: GABBR2 is on the minus strand). VCF-style: chr9-98496444-T-C. GRCh37 (hg19) VCF-style: chr9-101258726-T-C.
Other names: short protein forms N234S.
Identifiers: ClinVar variation 3688435 (VCV003688435.15).
Genomic context (GRCh38, chr9:98,496,444, plus strand): 5'-CCATTCACCCTGTGGCTAGCCACACCTACCTTCAGCTTTTTGACACTGGTACAGGGATCG[T>C]TGGAGAAGCTCTCGGTGTCTGAAATCTCAATGTCCTCGCCATACAGAACTCCAGTCAGGT-3'
Protein context (NP_005449.5, residues 224-244): IEISDTESFS[Asn234Ser]DPCTSVKKLK

ClinVar aggregate classification (germline): Uncertain significance. Review status: criteria provided, multiple submitters, no conflicts (2 of 4 stars). 2 submissions from 2 submitters: Uncertain significance (2). Last evaluated 2025-02-01.

Conditions:
Epileptic encephalopathy. Identifiers: MedGen C0543888, HP:0200134.

gnomAD v4.1: 5 of 1,612,542 alleles (0.00031%); highest among the groups gnomAD compares: Non-Finnish European, 0.00042%; no homozygotes.

Submissions (2):

CeGaT Center for Human Genetics Tuebingen
Classification: Uncertain significance. Last evaluated: 2025-02-01. Review status: criteria provided, single submitter. Criteria: CeGaT Center For Human Genetics Tuebingen Variant Classification Criteria Version 2. Collection method: clinical testing. Allele origin: germline. Affected: yes. Observed: 1 variant allele.

Labcorp Genetics (formerly Invitae), Labcorp
Classification: Uncertain significance for Epileptic encephalopathy. Last evaluated: 2024-05-02. Review status: criteria provided, single submitter. Criteria: Invitae Variant Classification Sherloc (09022015). Collection method: clinical testing. Allele origin: germline.
Comment: This sequence change replaces asparagine, which is neutral and polar, with serine, which is neutral and polar, at codon 234 of the GABBR2 protein (p.Asn234Ser). This variant is present in population databases (rs749194016, gnomAD 0.002%). This variant has not been reported in the literature in individuals affected with GABBR2-related conditions. Advanced modeling of protein sequence and biophysical properties (such as structural, functional, and spatial information, amino acid conservation, physicochemical variation, residue mobility, and thermodynamic stability) performed at Invitae indicates that this missense variant is not expected to disrupt GABBR2 protein function with a negative predictive value of 80%. In summary, the available evidence is currently insufficient to determine the role of this variant in disease. Therefore, it has been classified as a Variant of Uncertain Significance.